The following is an entry in ClinVar:

NM_001172509.2(SATB2):c.341C>A (p.Ala114Asp)

Gene: SATB2 (SATB homeobox 2; minus strand). Cytogenetic location: 2q33.1.
Variant type: single nucleotide variant.
Coding change: c.341C>A on transcript NM_001172509.2 (MANE Select); coding-DNA position 341, C replaced by A.
Protein change: p.Ala114Asp; replaces alanine 114 with aspartic acid.
Molecular consequence: missense variant. On other transcripts: non-coding transcript variant (1).
Genome position (GRCh38, 1-based): chr2:199,433,343, G>T on the plus strand (C>A on the coding strand, the complement: SATB2 is on the minus strand). VCF-style: chr2-199433343-G-T. GRCh37 (hg19) VCF-style: chr2-200298066-G-T.
Other names: c.341C>A, p.Ala114Asp (NM_001172517.1, NM_015265.4); short protein forms A114D.
Identifiers: ClinVar variation 4855816 (VCV004855816.1).
Genomic context (GRCh38, chr2:199,433,343, plus strand): 5'-TCCTCAAATTATGACACACAAGAGACTTGGGAGGAGAGGGGAGAGGCATTAATACCTTGG[G>T]CCTGGGCCGCAGAGCTGTGAGAATACCCCAGGGCCAGGAGCGCAGTCTCCACCAGCTGGC-3'
Protein context (NP_001165980.1, residues 104-124): LGYSHSSAAQ[Ala114Asp]QGIIKLGRWN

ClinVar aggregate classification (germline): Uncertain significance (1 of 4 stars; one submission).

Conditions:
Chromosome 2q32-q33 deletion syndrome (GLASS). Also called: Glass syndrome; 2q33.1 deletion syndrome. Identifiers: Orphanet 251019, MedGen C2676739, MONDO:0012864, OMIM 612313.

Submission:

3billion
Classification: Uncertain significance for Chromosome 2q32-q33 deletion syndrome. Last evaluated: 2025-08-27. Review status: criteria provided, single submitter. Criteria: ACMG Guidelines, 2015. Collection method: clinical testing. Allele origin: germline. Affected: yes.
Comment: The variant is not observed in the gnomAD v4.1.0 dataset. Predicted Consequence/Location: Missense variant In silico tool predictions suggest damaging effect of the variant on gene or gene product [REVEL: 0.70 (>=0.6, sensitivity 0.68 and specificity 0.92)]. Therefore, this variant is classified as VUS according to the recommendation of ACMG/AMP guideline.